The following is an entry in ClinVar:

ClinVar aggregate classification (germline): Uncertain significance (1 of 4 stars; one submission).

Allele frequency attached by ClinVar (database versions not stated): ExAC 0.00001.
gnomAD v4.1: 8 of 1,612,444 alleles (0.0005%); highest among the groups gnomAD compares: Non-Finnish European, 0.00068%; no homozygotes.

Submission:

Ambry Genetics
Classification: Uncertain significance. Last evaluated: 2021-10-07. Review status: criteria provided, single submitter. Criteria: Ambry Variant Classification Scheme 2023. Collection method: clinical testing. Allele origin: germline.
Comment: The p.V171L variant (also known as c.511G>T), located in coding exon 5 of the STAP1 gene, results from a G to T substitution at nucleotide position 511. The valine at codon 171 is replaced by leucine, an amino acid with highly similar properties. This amino acid position is conserved. In addition, this alteration is predicted to be tolerated by in silico analysis. Since supporting evidence is limited at this time, the clinical significance of this alteration remains unclear.

NM_012108.4(STAP1):c.511G>T (p.Val171Leu)

Gene: STAP1 (signal transducing adaptor family member 1; plus strand). Cytogenetic location: 4q13.2.
Variant type: single nucleotide variant.
Coding change: c.511G>T on transcript NM_012108.4 (MANE Select); coding-DNA position 511, G replaced by T.
Protein change: p.Val171Leu; replaces valine 171 with leucine.
Molecular consequence: missense variant.
Genome position (GRCh38, 1-based): chr4:67,581,452, G>T. VCF-style: chr4-67581452-G-T. GRCh37 (hg19) VCF-style: chr4-68447170-G-T.
Other names: c.511G>T, p.Val171Leu (NM_001317769.2); short protein forms V171L.
Identifiers: ClinVar variation 1745471 (VCV001745471.2), dbSNP rs529759760, ClinGen allele CA2937583.